The following is an entry in ClinVar:

ClinVar aggregate classification (germline): Uncertain significance (1 of 4 stars; one submission).

Submission:

Labcorp Genetics (formerly Invitae), Labcorp
Classification: Uncertain significance. Last evaluated: 2024-04-29. Review status: criteria provided, single submitter. Criteria: Invitae Variant Classification Sherloc (09022015). Collection method: clinical testing. Allele origin: germline.
Comment: This sequence change replaces glycine, which is neutral and non-polar, with alanine, which is neutral and non-polar, at codon 261 of the CACNA1E protein (p.Gly261Ala). This variant is not present in population databases (gnomAD no frequency). This variant has not been reported in the literature in individuals affected with CACNA1E-related conditions. ClinVar contains an entry for this variant (Variation ID: 1720802). Advanced modeling of protein sequence and biophysical properties (such as structural, functional, and spatial information, amino acid conservation, physicochemical variation, residue mobility, and thermodynamic stability) has been performed at Invitae for this missense variant, however the output from this modeling did not meet the statistical confidence thresholds required to predict the impact of this variant on CACNA1E protein function. In summary, the available evidence is currently insufficient to determine the role of this variant in disease. Therefore, it has been classified as a Variant of Uncertain Significance.

NM_001205293.3(CACNA1E):c.782G>C (p.Gly261Ala)

Gene: CACNA1E (calcium voltage-gated channel subunit alpha1 E; plus strand). Cytogenetic location: 1q25.3.
Variant type: single nucleotide variant.
Coding change: c.782G>C on transcript NM_001205293.3 (MANE Select); coding-DNA position 782, G replaced by C.
Protein change: p.Gly261Ala; replaces glycine 261 with alanine.
Molecular consequence: missense variant.
Genome position (GRCh38, 1-based): chr1:181,580,607, G>C. VCF-style: chr1-181580607-G-C. GRCh37 (hg19) VCF-style: chr1-181549743-G-C.
Other names: c.782G>C, p.Gly261Ala (NM_001205294.2, NM_000721.4); short protein forms G261A.
Identifiers: ClinVar variation 1720802 (VCV001720802.5), dbSNP rs2527331625, ClinGen allele CA343847301.